The following is an entry in ClinVar:

ClinVar aggregate classification (germline): Uncertain significance. Review status: criteria provided, multiple submitters, no conflicts (2 of 4 stars). 2 submissions from 2 submitters: Uncertain significance (2). Last evaluated 2026-03-30.

Conditions:
NRP1-related disorder. Also called: NRP1-related condition.

Allele frequency attached by ClinVar (database versions not stated): ESP Exome Variant Server 0.00008; TOPMed 0.00013.
gnomAD v4.1: 32 of 1,613,986 alleles (0.002%); highest among the groups gnomAD compares: African/African-American, 0.04%; no homozygotes.

Submissions (2):

PreventionGenetics, part of Exact Sciences
Classification: Uncertain significance for NRP1-related condition. Last evaluated: 2026-03-30. Review status: criteria provided, single submitter. Criteria: ACMG Guidelines, 2015. Collection method: clinical testing. Allele origin: germline.
Comment: The NRP1 c.2196C>A variant is predicted to result in the amino acid substitution p.His732Gln. To our knowledge, this variant has not been reported in the literature. This variant is reported in 0.028% of alleles in individuals of African descent in gnomAD. At this time, the clinical significance of this variant is uncertain due to the absence of conclusive functional and genetic evidence.

Ambry Genetics
Classification: Uncertain significance. Last evaluated: 2025-04-19. Review status: criteria provided, single submitter. Criteria: Ambry Variant Classification Scheme 2023. Collection method: clinical testing. Allele origin: germline.

NM_003873.7(NRP1):c.2196C>A (p.His732Gln)

Gene: NRP1 (neuropilin 1; minus strand). Cytogenetic location: 10p11.22.
Variant type: single nucleotide variant.
Coding change: c.2196C>A on transcript NM_003873.7 (MANE Select); coding-DNA position 2196, C replaced by A.
Protein change: p.His732Gln; replaces histidine 732 with glutamine.
Molecular consequence: missense variant. On other transcripts: non-coding transcript variant (1).
Genome position (GRCh38, 1-based): chr10:33,186,355, G>T on the plus strand (C>A on the coding strand, the complement: NRP1 is on the minus strand). VCF-style: chr10-33186355-G-T. GRCh37 (hg19) VCF-style: chr10-33475283-G-T.
Other names: c.2178C>A, p.His726Gln (NM_001244972.2); c.2175C>A, p.His725Gln (NM_001244973.2); c.2196C>A, p.His732Gln (NM_001330068.2); short protein forms H725Q, H726Q, H732Q.
Identifiers: ClinVar variation 3054529 (VCV003054529.4), dbSNP rs376053165, ClinGen allele CA5466241.
Genomic context (GRCh38, chr10:33,186,355, plus strand): 5'-GACCAGCTGATCGTACTCCTCTGGCTTCTGGTAGCGCAGTTTGACCCTGAGTGTGCCGAC[G>T]TGGGACCCAGACATGTGATACCAGAAGGTCATGCAGTGGGCAGAGTTCTGGGAATAAACC-3'
Protein context (NP_003864.5, residues 722-742): MTFWYHMSGS[His732Gln]VGTLRVKLRY